The following is an entry in ClinVar:

ClinVar aggregate classification (germline): Likely pathogenic. Review status: criteria provided, single submitter (1 of 4 stars). 2 submissions from 2 submitters: Likely pathogenic (1). 1 of the submissions does not count toward it. Last evaluated 2025-09-02.

Conditions:
Hyperkalemic periodic paralysis. Also called: Familial hyperkalemic periodic paralysis; Gamstorp disease. Identifiers: Orphanet 682, MedGen C0238357, MONDO:0008224, OMIM 170500, HP:0007215.

Submissions (2):

Labcorp Genetics (formerly Invitae), Labcorp
Classification: Likely pathogenic for Hyperkalemic periodic paralysis. Last evaluated: 2025-09-02. Review status: criteria provided, single submitter. Criteria: Invitae Variant Classification Sherloc (09022015). Collection method: clinical testing. Allele origin: germline.
Comment: This sequence change replaces isoleucine, which is neutral and non-polar, with valine, which is neutral and non-polar, at codon 588 of the SCN4A protein (p.Ile588Val). This variant is not present in population databases (gnomAD no frequency). This missense change has been observed in individuals with clinical features of periodic paralysis (PMID: 25348630, 36779057; internal data). ClinVar contains an entry for this variant (Variation ID: 1475468). Invitae Evidence Modeling of protein sequence and biophysical properties (such as structural, functional, and spatial information, amino acid conservation, physicochemical variation, residue mobility, and thermodynamic stability) has been performed for this missense variant. However, the output from this modeling did not meet the statistical confidence thresholds required to predict the impact of this variant on SCN4A protein function. Experimental studies have shown that this missense change affects SCN4A function (PMID: 25348630). In summary, the currently available evidence indicates that the variant is pathogenic, but additional data are needed to prove that conclusively. Therefore, this variant has been classified as Likely Pathogenic.

Department of Neurology and Geriatrics, Kagoshima University Graduate School of Medical and Dental Sciences
Classification: Likely pathogenic for Hyperkalemic periodic paralysis. Last evaluated: 2022-04-12. Review status: no assertion criteria provided. Collection method: research. Allele origin: germline. Affected: yes. Not counted in ClinVar's aggregate classification.

Literature cited by the submitters: PubMed 25348630 (cited by Labcorp Genetics (formerly Invitae), Labcorp); PubMed 36779057 (cited by Labcorp Genetics (formerly Invitae), Labcorp).

NM_000334.4(SCN4A):c.1762A>G (p.Ile588Val)

Gene: SCN4A (sodium voltage-gated channel alpha subunit 4; minus strand). Cytogenetic location: 17q23.3.
Variant type: single nucleotide variant.
Coding change: c.1762A>G on transcript NM_000334.4 (MANE Select); coding-DNA position 1762, A replaced by G.
Protein change: p.Ile588Val; replaces isoleucine 588 with valine.
Molecular consequence: missense variant.
Genome position (GRCh38, 1-based): chr17:63,961,276, T>C on the plus strand (A>G on the coding strand, the complement: SCN4A is on the minus strand). VCF-style: chr17-63961276-T-C. GRCh37 (hg19) VCF-style: chr17-62038636-T-C.
Other names: short protein forms I588V.
Identifiers: ClinVar variation 1475468 (VCV001475468.9), dbSNP rs2144798704, ClinGen allele CA400633106.